The following is an entry in ClinVar:

NM_021252.5(RAB18):c.592G>A (p.Ala198Thr)

Gene: RAB18 (RAB18, member RAS oncogene family; plus strand). Cytogenetic location: 10p12.1.
Variant type: single nucleotide variant.
Coding change: c.592G>A on transcript NM_021252.5 (MANE Select); coding-DNA position 592, G replaced by A.
Protein change: p.Ala198Thr; replaces alanine 198 with threonine.
Molecular consequence: missense variant. On other transcripts: synonymous variant (1), non-coding transcript variant (1).
Genome position (GRCh38, 1-based): chr10:27,538,022, G>A. VCF-style: chr10-27538022-G-A. GRCh37 (hg19) VCF-style: chr10-27826951-G-A.
Other names: p.A198T:GCC>ACC; NM_001256412.1(RAB18):c.400G>A(p.Ala134Thr); NM_001256415.1(RAB18):c.520G>A(p.Ala174Thr); NM_021252.4(RAB18):c.592G>A(p.Ala198Thr); NM_001256410.1(RAB18):c.679G>A(p.Ala227Thr); c.679G>A, p.Ala227Thr (NM_001256410.2); c.525G>A, p.Glu175= (NM_001256411.2); c.400G>A, p.Ala134Thr (NM_001256412.2); and 1 more; short protein forms A198T, A227T, A134T.
Identifiers: ClinVar variation 130059 (VCV000130059.21), dbSNP rs11015859, ClinGen allele CA154823.

ClinVar aggregate classification (germline): Benign. Review status: criteria provided, multiple submitters, no conflicts (2 of 4 stars). 8 submissions from 8 submitters: Benign (6). 2 of the submissions do not count toward it. Last evaluated 2026-02-01.

Conditions:
RAB18-related disorder. Also called: RAB18-related condition.
Warburg micro syndrome 3 (WARBM3). Also called: MICRO SYNDROME 3. Identifiers: Orphanet 2510, MedGen C3280203, MONDO:0013638, OMIM 614222.

Allele frequency attached by ClinVar (database versions not stated): gnomAD exomes 0.00729 and 0.00269; ExAC 0.00906; gnomAD 0.02692 and 0.02882; 1000 Genomes Project 0.03015; TOPMed 0.03015; ESP Exome Variant Server 0.03275; 1000 Genomes Project 30x 0.03389.
gnomAD v4.1: 8,209 of 1,614,104 alleles (0.51%); highest among the groups gnomAD compares: African/African-American, 9%; 331 homozygotes.

Submissions (8):

Labcorp Genetics (formerly Invitae), Labcorp
Classification: Benign. Last evaluated: 2026-02-01. Review status: criteria provided, single submitter. Criteria: Invitae Variant Classification Sherloc (09022015). Collection method: clinical testing. Allele origin: germline.

Mayo Clinic Laboratories, Mayo Clinic
Classification: Benign. Last evaluated: 2022-03-24. Review status: criteria provided, single submitter. Criteria: ACMG Guidelines, 2015. Collection method: clinical testing. Allele origin: germline. Observed: 6 variant alleles.

SIB Swiss Institute of Bioinformatics
Classification: Benign. Last evaluated: 2018-05-31. Review status: criteria provided, single submitter. Criteria: ACMG Guidelines, 2015. Collection method: curation. Allele origin: unknown.
Comment: This variant is interpreted as a Benign - Stand Alone. The following ACMG Tag(s) were applied: BA1 => Allele frequency is >5% in Exome Sequencing Project, 1000 Genomes Project, or Exome Aggregation Consortium.

Illumina Laboratory Services, Illumina
Classification: Benign for Warburg micro syndrome 3. Last evaluated: 2018-01-12. Review status: criteria provided, single submitter. Criteria: ICSL Variant Classification Criteria 13 December 2019. Collection method: clinical testing. Allele origin: germline.
Comment: This variant was observed in the ICSL laboratory as part of a predisposition screen in an ostensibly healthy population. It had not been previously curated by ICSL or reported in the Human Gene Mutation Database (HGMD: prior to June 1st, 2018), and was therefore a candidate for classification through an automated scoring system. Utilizing variant allele frequency, disease prevalence and penetrance estimates, and inheritance mode, an automated score was calculated to assess if this variant is too frequent to cause the disease. Based on the score and internal cut-off values, a variant classified as benign is not then subjected to further curation. The score for this variant resulted in a classification of benign for this disease.

GeneDx
Classification: Benign. Last evaluated: 2014-06-02. Review status: criteria provided, single submitter. Criteria: GeneDx Variant Classification (06012015). Collection method: clinical testing. Allele origin: germline. Affected: yes.
Comment: This variant is considered likely benign or benign based on one or more of the following criteria: it is a conservative change, it occurs at a poorly conserved position in the protein, it is predicted to be benign by multiple in silico algorithms, and/or has population frequency not consistent with disease.

Breakthrough Genomics
Classification: Benign. Review status: criteria provided, single submitter. Criteria: ACMG Guidelines, 2015. Collection method: not provided. Allele origin: germline. Inheritance: Autosomal recessive inheritance. Affected: yes.

PreventionGenetics, part of Exact Sciences
Classification: Benign for RAB18-related condition. Last evaluated: 2019-05-08. Review status: no assertion criteria provided. Collection method: clinical testing. Allele origin: germline. Not counted in ClinVar's aggregate classification.
Comment: This variant is classified as benign based on ACMG/AMP sequence variant interpretation guidelines (Richards et al. 2015 PMID: 25741868, with internal and published modifications).

Genetic Services Laboratory, University of Chicago
Classification: Likely benign for AllHighlyPenetrant. Review status: no assertion criteria provided. Collection method: clinical testing. Allele origin: germline. Inheritance: Autosomal recessive inheritance. Not counted in ClinVar's aggregate classification.
Comment: Likely benign based on allele frequency in 1000 Genomes Project or ESP global frequency and its presence in a patient with a rare or unrelated disease phenotype. NOT Sanger confirmed.